The following is an entry in ClinVar:

ClinVar aggregate classification (germline): Pathogenic/Likely pathogenic. Review status: criteria provided, multiple submitters, no conflicts (2 of 4 stars). 10 submissions from 9 submitters: Pathogenic (8); Likely pathogenic (1). 1 of the submissions does not count toward it. Last evaluated 2024-10-01.

Conditions:
RPGRIP1-related disorder. Also called: RPGRIP1-related condition.
Leber congenital amaurosis 6 (LCA6). Identifiers: Orphanet 65, MedGen C1854260, MONDO:0013446, OMIM 613826.
Cone-rod dystrophy 13 (CORD13). Identifiers: Orphanet 1872, MedGen C2750720, MONDO:0011987, OMIM 608194.
Retinitis pigmentosa (RP). Identifiers: Orphanet 791, MedGen C0035334, MeSH D012174, MONDO:0019200, OMIM 268000. Inheritance: Autosomal dominant, autosomal recessive and X linked inheritance.

Allele frequency attached by ClinVar (database versions not stated): ExAC 0.00001; TOPMed 0.00001; gnomAD exomes 0.00002; gnomAD 0.00004; 1000 Genomes Project 30x 0.00016; 1000 Genomes Project 0.00020.
gnomAD v4.1: 15 of 1,610,394 alleles (0.00093%); highest among the groups gnomAD compares: African/African-American, 0.0094%; no homozygotes.

Submissions (10):

Lab De Baere, Eye and Developmental Genetics Lab, Ghent University
Classification: Pathogenic for Retinitis pigmentosa. Last evaluated: 2024-10-01. Review status: criteria provided, single submitter. Criteria: ACMG Guidelines, 2015. Collection method: research. Allele origin: inherited. Affected: yes. Observed: 1 variant allele.
Comment: ACMG/AMP guidelines: PVS1, PM2, PP5

Fulgent Genetics
Classification: Likely pathogenic for Cone-rod dystrophy 13; Leber congenital amaurosis 6. Last evaluated: 2024-05-15. Review status: criteria provided, single submitter. Criteria: ACMG Guidelines, 2015. Collection method: clinical testing. Allele origin: germline.

Labcorp Genetics (formerly Invitae), Labcorp
Classification: Pathogenic for Leber congenital amaurosis 6; Cone-rod dystrophy 13. Last evaluated: 2024-05-01. Review status: criteria provided, single submitter. Criteria: Invitae Variant Classification Sherloc (09022015). Collection method: clinical testing. Allele origin: germline.
Comment: This sequence change creates a premature translational stop signal (p.Arg52*) in the RPGRIP1 gene. It is expected to result in an absent or disrupted protein product. Loss-of-function variants in RPGRIP1 are known to be pathogenic (PMID: 11528500, 23105016). This variant is present in population databases (rs192003551, gnomAD 0.01%). This premature translational stop signal has been observed in individual(s) with inherited retinal disorders (PMID: 23105016, 28456785, 31736247). ClinVar contains an entry for this variant (Variation ID: 195355). For these reasons, this variant has been classified as Pathogenic.

Genome-Nilou Lab
Classification: Pathogenic for Leber congenital amaurosis 6. Last evaluated: 2021-11-07. Review status: criteria provided, single submitter. Criteria: ACMG Guidelines, 2015. Collection method: clinical testing. Allele origin: germline. Affected: no.

Genome-Nilou Lab
Classification: Pathogenic for Cone-rod dystrophy 13. Last evaluated: 2021-11-07. Review status: criteria provided, single submitter. Criteria: ACMG Guidelines, 2015. Collection method: clinical testing. Allele origin: germline. Affected: no.

Blueprint Genetics
Classification: Pathogenic for RPGRIP1-related disorders. Last evaluated: 2021-08-05. Review status: criteria provided, single submitter. Criteria: ACMG Guidelines, 2015. Collection method: clinical testing. Allele origin: germline. Affected: yes. Observed: 4 variant alleles.

Baylor Genetics
Classification: Pathogenic for Cone-rod dystrophy 13. Last evaluated: 2018-08-30. Review status: criteria provided, single submitter. Criteria: ACMG Guidelines, 2015. Collection method: clinical testing. Allele origin: maternal. Affected: yes.
Comment: This variant was determined to be pathogenic according to ACMG Guidelines, 2015 [PMID:25741868].

Soonchunhyang University Bucheon Hospital, Soonchunhyang University Medical Center
Classification: Pathogenic for Cone-rod dystrophy 13. Last evaluated: 2016-03-18. Review status: criteria provided, single submitter. Criteria: ACMG Guidelines, 2015. Collection method: reference population. Allele origin: germline. Observed: 1 variant allele.

Eurofins Ntd Llc (ga)
Classification: Pathogenic. Last evaluated: 2015-03-02. Review status: criteria provided, single submitter. Criteria: EGL Classification Definitions 2015. Collection method: clinical testing. Allele origin: germline. Observed: 1 variant allele, 1 heterozygote.

Laboratory of Genetics in Ophthalmology, Institut Imagine
Classification: Pathogenic for Leber congenital amaurosis 6. Review status: no assertion criteria provided. Collection method: research. Allele origin: inherited. Affected: yes. Observed: 1 variant allele. Not counted in ClinVar's aggregate classification.

Literature cited by the submitters: PubMed 11528500 (cited by Labcorp Genetics (formerly Invitae), Labcorp); PubMed 23105016 (cited by 3 submitters); PubMed 28456785 (cited by Labcorp Genetics (formerly Invitae), Labcorp); PubMed 31736247 (cited by Labcorp Genetics (formerly Invitae), Labcorp).

NM_020366.4(RPGRIP1):c.154C>T (p.Arg52Ter)

Gene: RPGRIP1 (RPGR interacting protein 1; plus strand). Cytogenetic location: 14q11.2.
Variant type: single nucleotide variant.
Coding change: c.154C>T on transcript NM_020366.4 (MANE Select); coding-DNA position 154, C replaced by T.
Protein change: p.Arg52Ter; replaces arginine 52 with a stop codon.
Molecular consequence: nonsense.
Genome position (GRCh38, 1-based): chr14:21,294,745, C>T. VCF-style: chr14-21294745-C-T. GRCh37 (hg19) VCF-style: chr14-21762904-C-T.
Other names: short protein forms R52*.
Identifiers: ClinVar variation 195355 (VCV000195355.19), dbSNP rs192003551, ClinGen allele CA201680.